The following is an entry in ClinVar:

ClinVar aggregate classification (germline): Pathogenic (1 of 4 stars; one submission).

Conditions:
Developmental delay with variable intellectual impairment and behavioral abnormalities. Identifiers: MedGen C5193092, MONDO:0032745, OMIM 618430.

Submission:

Institute of Human Genetics, University of Leipzig Medical Center
Classification: Pathogenic for Developmental delay with variable intellectual impairment and behavioral abnormalities. Last evaluated: 2020-11-30. Review status: criteria provided, single submitter. Criteria: ACMG Guidelines, 2015. Collection method: clinical testing. Allele origin: de novo. Affected: yes.
Comment: This variant was identified as de novo (maternity and paternity confirmed).

NM_001378418.1(TCF20):c.3169_3170del (p.Glu1057fs)

Gene: TCF20 (transcription factor 20; minus strand). Cytogenetic location: 22q13.2.
Variant type: Deletion.
Coding change: c.3169_3170del on transcript NM_001378418.1 (MANE Select); coding-DNA positions 3169 to 3170, 2 bases deleted (GA; older notation c.3169_3170delGA).
Protein change: p.Glu1057fs; shifts the reading frame from glutamic acid 1057.
Molecular consequence: frameshift variant.
Genome position (GRCh38, 1-based): chr22:42,212,136-42,212,137, TC deleted on the plus strand (GA on the coding strand, the reverse complement: TCF20 is on the minus strand); deleting any 2 consecutive bases within chr22:42,212,136-42,212,138 gives the same sequence; the c. name uses the placement nearest the transcript's 3' end. VCF-style (leftmost placement, unchanged base first): chr22-42212135-TTC-T. GRCh37 (hg19) VCF-style: chr22-42608141-TTC-T.
Other names: c.3169_3170del, p.Glu1057fs (NM_005650.4, NM_181492.3); short protein forms E1057fs.
Identifiers: ClinVar variation 1285469 (VCV001285469.1), dbSNP rs2147207137, ClinGen allele CA2499226200.